The following is an entry in ClinVar:

NM_001384732.1(CPLANE1):c.5933C>T (p.Thr1978Ile)

Gene: CPLANE1 (ciliogenesis and planar polarity effector complex subunit 1; minus strand). Cytogenetic location: 5p13.2.
Variant type: single nucleotide variant.
Coding change: c.5933C>T on transcript NM_001384732.1 (MANE Select); coding-DNA position 5933, C replaced by T.
Protein change: p.Thr1978Ile; replaces threonine 1978 with isoleucine.
Molecular consequence: missense variant.
Genome position (GRCh38, 1-based): chr5:37,175,954, G>A on the plus strand (C>T on the coding strand, the complement: CPLANE1 is on the minus strand). VCF-style: chr5-37175954-G-A. GRCh37 (hg19) VCF-style: chr5-37176056-G-A.
Other names: c.5933C>T, p.Thr1978Ile (NM_023073.4); short protein forms T1978I.
Identifiers: ClinVar variation 2419941 (VCV002419941.6), dbSNP rs751402710, ClinGen allele CA3238391.

ClinVar aggregate classification (germline): Uncertain significance (1 of 4 stars; one submission).

Allele frequency attached by ClinVar (database versions not stated): ExAC 0.00001; gnomAD 0.00001.
gnomAD v4.1: 14 of 1,613,306 alleles (0.00087%); highest among the groups gnomAD compares: Non-Finnish European, 0.001%; no homozygotes.

Submission:

Labcorp Genetics (formerly Invitae), Labcorp
Classification: Uncertain significance. Last evaluated: 2026-01-12. Review status: criteria provided, single submitter. Criteria: Invitae Variant Classification Sherloc (09022015). Collection method: clinical testing. Allele origin: germline.
Comment: This sequence change replaces threonine, which is neutral and polar, with isoleucine, which is neutral and non-polar, at codon 1978 of the CPLANE1 protein (p.Thr1978Ile). This variant is present in population databases (rs751402710, gnomAD 0.004%). This variant has not been reported in the literature in individuals affected with CPLANE1-related conditions. ClinVar contains an entry for this variant (Variation ID: 2419941). Invitae Evidence Modeling of protein sequence and biophysical properties (such as structural, functional, and spatial information, amino acid conservation, physicochemical variation, residue mobility, and thermodynamic stability) indicates that this missense variant is not expected to disrupt CPLANE1 protein function with a negative predictive value of 95%. In summary, the available evidence is currently insufficient to determine the role of this variant in disease. Therefore, it has been classified as a Variant of Uncertain Significance.